The following is an entry in ClinVar:

ClinVar aggregate classification (germline): Uncertain significance. Review status: criteria provided, multiple submitters, no conflicts (2 of 4 stars). 3 submissions from 3 submitters: Uncertain significance (3). Last evaluated 2024-11-23.

Conditions:
Multicentric osteolysis nodulosis arthropathy spectrum. Identifiers: Orphanet 3460, Orphanet 371428, MedGen C1850155, MONDO:0018298.

Allele frequency attached by ClinVar (database versions not stated): ESP Exome Variant Server 0.00008; TOPMed 0.00009; gnomAD 0.00010; gnomAD exomes 0.00011 and 0.00017; ExAC 0.00012; 1000 Genomes Project 30x 0.00031.
gnomAD v4.1: 260 of 1,614,214 alleles (0.016%); highest among the groups gnomAD compares: Middle Eastern, 0.033%; no homozygotes.

Submissions (3):

Blueprint Genetics
Classification: Uncertain significance. Last evaluated: 2024-11-23. Review status: criteria provided, single submitter. Criteria: ACMG Guidelines, 2015. Collection method: clinical testing. Allele origin: germline.

Labcorp Genetics (formerly Invitae), Labcorp
Classification: Uncertain significance. Last evaluated: 2022-10-10. Review status: criteria provided, single submitter. Criteria: Invitae Variant Classification Sherloc (09022015). Collection method: clinical testing. Allele origin: germline.
Comment: This sequence change replaces tyrosine, which is neutral and polar, with histidine, which is basic and polar, at codon 543 of the MMP2 protein (p.Tyr543His). This variant is present in population databases (rs369441378, gnomAD 0.02%). This variant has not been reported in the literature in individuals affected with MMP2-related conditions. ClinVar contains an entry for this variant (Variation ID: 885202). Advanced modeling of protein sequence and biophysical properties (such as structural, functional, and spatial information, amino acid conservation, physicochemical variation, residue mobility, and thermodynamic stability) performed at Invitae indicates that this missense variant is not expected to disrupt MMP2 protein function. In summary, the available evidence is currently insufficient to determine the role of this variant in disease. Therefore, it has been classified as a Variant of Uncertain Significance.

Illumina Laboratory Services, Illumina
Classification: Uncertain significance for Multicentric osteolysis, nodulosis, and arthropathy. Last evaluated: 2017-04-28. Review status: criteria provided, single submitter. Criteria: ICSL Variant Classification Criteria 13 December 2019. Collection method: clinical testing. Allele origin: germline.

NM_004530.6(MMP2):c.1627T>C (p.Tyr543His)

Gene: MMP2 (matrix metallopeptidase 2; plus strand). Cytogenetic location: 16q12.2.
Variant type: single nucleotide variant.
Coding change: c.1627T>C on transcript NM_004530.6 (MANE Select); coding-DNA position 1627, T replaced by C.
Protein change: p.Tyr543His; replaces tyrosine 543 with histidine.
Molecular consequence: missense variant.
Genome position (GRCh38, 1-based): chr16:55,498,306, T>C. VCF-style: chr16-55498306-T-C. GRCh37 (hg19) VCF-style: chr16-55532218-T-C.
Other names: c.1477T>C, p.Tyr493His (NM_001127891.3); c.1399T>C, p.Tyr467His (NM_001302508.1, NM_001302509.2, NM_001302510.2); short protein forms Y493H, Y543H, Y467H.
Identifiers: ClinVar variation 885202 (VCV000885202.9), dbSNP rs369441378, ClinGen allele CA8060516.